The following is an entry in ClinVar:

NM_002303.6(LEPR):c.260T>C (p.Phe87Ser)

Gene: LEPR (leptin receptor; plus strand). Cytogenetic location: 1p31.3.
Variant type: single nucleotide variant.
Coding change: c.260T>C on transcript NM_002303.6 (MANE Select); coding-DNA position 260, T replaced by C.
Protein change: p.Phe87Ser; replaces phenylalanine 87 with serine.
Molecular consequence: missense variant.
Genome position (GRCh38, 1-based): chr1:65,570,692, T>C. VCF-style: chr1-65570692-T-C. GRCh37 (hg19) VCF-style: chr1-66036375-T-C.
Other names: c.260T>C, p.Phe87Ser (NM_001003679.3, NM_001003680.3, NM_001198687.2 and 2 more transcripts); short protein forms F87S.
Identifiers: ClinVar variation 875831 (VCV000875831.5), dbSNP rs891183270, ClinGen allele CA23909090.
Genomic context (GRCh38, chr1:65,570,692, plus strand): 5'-CTGTTGAACCTAAGTTTAATTCAAGTGGTACTCACTTTTCTAACTTATCCAAAACAACTT[T>C]CCACTGTTGCTTTCGGAGTGAGCAAGATAGAAACTGCTCCTTATGTGCAGACAACATTGA-3'
Protein context (NP_002294.2, residues 77-97): THFSNLSKTT[Phe87Ser]HCCFRSEQDR

ClinVar aggregate classification (germline): Uncertain significance. Review status: criteria provided, single submitter (1 of 4 stars). 2 submissions from 2 submitters: Uncertain significance (1). 1 of the submissions does not count toward it. Last evaluated 2018-01-12.

Conditions:
Obesity due to leptin receptor gene deficiency. Identifiers: Orphanet 179494, MedGen C3554225, MONDO:0013992, OMIM 614963.
LEPR-related disorder. Also called: LEPR-related disorders; LEPR-related condition.

Allele frequency attached by ClinVar (database versions not stated): gnomAD exomes 0.00001; TOPMed 0.00002; gnomAD 0.00001.
gnomAD v4.1: 11 of 1,613,736 alleles (0.00068%); highest among the groups gnomAD compares: Non-Finnish European, 0.00085%; no homozygotes.

Submissions (2):

Illumina Laboratory Services, Illumina
Classification: Uncertain significance for Obesity due to leptin receptor gene deficiency. Last evaluated: 2018-01-12. Review status: criteria provided, single submitter. Criteria: ICSL Variant Classification Criteria 13 December 2019. Collection method: clinical testing. Allele origin: germline.

PreventionGenetics, part of Exact Sciences
Classification: Uncertain significance for LEPR-related condition. Last evaluated: 2024-08-26. Review status: no assertion criteria provided. Collection method: clinical testing. Allele origin: germline. Not counted in ClinVar's aggregate classification.
Comment: The LEPR c.260T>C variant is predicted to result in the amino acid substitution p.Phe87Ser. This variant was observed in a cohort of individuals with obesity, and in vitro functional studies showed function similar to that of wildtype levels (Supplemental Data Set, Shah et al. 2023. PubMed ID: 36864747). This variant has not been reported in a large population database, indicating this variant is rare. At this time, the clinical significance of this variant is uncertain due to the absence of conclusive functional and genetic evidence.